The following is an entry in ClinVar:

ClinVar aggregate classification (germline): Uncertain significance (1 of 4 stars; one submission).

Conditions:
Hereditary cancer-predisposing syndrome. Also called: Neoplastic Syndromes, Hereditary; Tumor predisposition; Hereditary neoplastic syndrome; Hereditary Cancer Syndrome. Identifiers: Orphanet 140162, MedGen C0027672, MeSH D009386, MONDO:0015356.
Cardiovascular phenotype. Identifiers: MedGen CN230736.

Submission:

Ambry Genetics
Classification: Uncertain significance for Cardiovascular phenotype; Hereditary cancer-predisposing syndrome. Last evaluated: 2023-11-21. Review status: criteria provided, single submitter. Criteria: Ambry Variant Classification Scheme 2023. Collection method: clinical testing. Allele origin: germline.
Comment: The p.G1786D variant (also known as c.5357G>A), located in coding exon 37 of the NF1 gene, results from a G to A substitution at nucleotide position 5357. The glycine at codon 1786 is replaced by aspartic acid, an amino acid with similar properties. This amino acid position is conserved. In addition, this alteration is predicted to be deleterious by in silico analysis. Since supporting evidence is limited at this time, the clinical significance of this alteration remains unclear.

NM_001042492.3(NF1):c.5420G>A (p.Gly1807Asp)

Gene: NF1 (neurofibromin 1; plus strand). Cytogenetic location: 17q11.2.
Variant type: single nucleotide variant.
Coding change: c.5420G>A on transcript NM_001042492.3 (MANE Select); coding-DNA position 5420, G replaced by A.
Protein change: p.Gly1807Asp; replaces glycine 1807 with aspartic acid.
Molecular consequence: missense variant.
Genome position (GRCh38, 1-based): chr17:31,327,650, G>A. VCF-style: chr17-31327650-G-A. GRCh37 (hg19) VCF-style: chr17-29654668-G-A.
Other names: c.5357G>A, p.Gly1786Asp (NM_000267.4); short protein forms G1786D, G1807D.
Identifiers: ClinVar variation 3237829 (VCV003237829.1), dbSNP rs2151541296.